The following is an entry in ClinVar:

NM_005359.6(SMAD4):c.1140-10del

Gene: SMAD4 (SMAD family member 4; plus strand). Cytogenetic location: 18q21.2.
Variant type: Deletion.
Coding change: c.1140-10del on transcript NM_005359.6 (MANE Select); 10 bases into the intron before coding-DNA position 1140, one base deleted (T; older notation c.1140-10delT).
Molecular consequence: intron variant.
Genome position (GRCh38, 1-based): chr18:51,067,009, T deleted; the last of 6 consecutive T bases (chr18:51,067,004-51,067,009); deleting any one gives the same sequence. VCF-style (leftmost placement, unchanged base first): chr18-51067003-CT-C. GRCh37 (hg19) VCF-style: chr18-48593373-CT-C.
Other names: c.1140-10delT (NM_005359.5, NM_005359.6).
Identifiers: ClinVar variation 420531 (VCV000420531.15), dbSNP rs763877987, ClinGen allele CA8966018.

ClinVar aggregate classification (germline): Benign/Likely benign. Review status: criteria provided, multiple submitters, no conflicts (2 of 4 stars). 4 submissions from 4 submitters: Benign (2); Likely benign (2). Last evaluated 2025-12-31.

Conditions:
Juvenile polyposis syndrome (JPS). Identifiers: Orphanet 2929, MedGen C0345893, MONDO:0017380, OMIM 174900.
Hereditary cancer-predisposing syndrome. Also called: Hereditary neoplastic syndrome; Hereditary Cancer Syndrome; Neoplastic Syndromes, Hereditary; Tumor predisposition. Identifiers: Orphanet 140162, MedGen C0027672, MeSH D009386, MONDO:0015356.

Submissions (4):

Labcorp Genetics (formerly Invitae), Labcorp
Classification: Benign for Juvenile polyposis syndrome. Last evaluated: 2025-12-31. Review status: criteria provided, single submitter. Criteria: Invitae Variant Classification Sherloc (09022015). Collection method: clinical testing. Allele origin: germline.

Women's Health and Genetics/Laboratory Corporation of America, LabCorp
Classification: Benign. Last evaluated: 2025-01-06. Review status: criteria provided, single submitter. Criteria: LabCorp Variant Classification Summary - May 2015. Collection method: clinical testing. Allele origin: germline.
Comment: Variant summary: SMAD4 c.1140-10delT alters a nucleotide located at a position not widely known to affect splicing. Consensus agreement among computation tools predict no significant impact on normal splicing. However, these predictions have yet to be confirmed by functional studies. The variant allele was found at a frequency of 4e-06 in 251218 control chromosomes. The available data on variant occurrences in the general population are insufficient to allow any conclusion about variant significance. To our knowledge, no occurrence of c.1140-10delT in individuals affected with Juvenile Polyposis Syndrome and no experimental evidence demonstrating its impact on protein function have been reported. ClinVar contains an entry for this variant (Variation ID: 420531). Based on the evidence outlined above, the variant was classified as likely benign.

GeneDx
Classification: Likely benign. Last evaluated: 2017-06-30. Review status: criteria provided, single submitter. Criteria: GeneDx Variant Classification (06012015). Collection method: clinical testing. Allele origin: germline. Affected: yes.
Comment: This variant is considered likely benign or benign based on one or more of the following criteria: it is a conservative change, it occurs at a poorly conserved position in the protein, it is predicted to be benign by multiple in silico algorithms, and/or has population frequency not consistent with disease.

Color Diagnostics, LLC DBA Color Health
Classification: Likely benign for Hereditary cancer-predisposing syndrome. Last evaluated: 2016-03-17. Review status: criteria provided, single submitter. Criteria: ACMG Guidelines, 2015. Collection method: clinical testing. Allele origin: germline.